The following is an entry in ClinVar:

ClinVar aggregate classification (germline): Benign/Likely benign. Review status: criteria provided, multiple submitters, no conflicts (2 of 4 stars). 4 submissions from 4 submitters: Benign (1); Likely benign (2). 1 of the submissions does not count toward it. Last evaluated 2025-12-07.

Conditions:
Duchenne muscular dystrophy (DMD). Also called: Duchenne Muscular Dystrophy (DMD); MUSCULAR DYSTROPHY, PSEUDOHYPERTROPHIC PROGRESSIVE, DUCHENNE TYPE. Identifiers: Orphanet 98896, MedGen C0013264, MONDO:0010679, OMIM 310200.
Dystrophin deficiency.
Cardiomyopathy (CMYO). Also called: Cardiomyopathies. Identifiers: Orphanet 167848, MedGen C0878544, MONDO:0004994, HP:0001638. Inheritance: Various modes of inheritance.
Becker muscular dystrophy (BMD). Also called: Becker Muscular Dystrophy (BMD); MUSCULAR DYSTROPHY, PSEUDOHYPERTROPHIC PROGRESSIVE, BECKER TYPE. Identifiers: Orphanet 98895, MedGen C0917713, MONDO:0010311, OMIM 300376.
Cardiovascular phenotype. Identifiers: MedGen CN230736.

Allele frequency attached by ClinVar (database versions not stated): gnomAD below 0.00001 and 0.00001; TOPMed 0.00001; gnomAD exomes 0.00004; ExAC 0.00005; 1000 Genomes Project 0.00026; 1000 Genomes Project 30x 0.00042.
gnomAD v4.1: 28 of 1,206,174 alleles (0.0023%); highest among the groups gnomAD compares: South Asian, 0.042%; no homozygotes.

Submissions (4):

Labcorp Genetics (formerly Invitae), Labcorp
Classification: Benign for Duchenne muscular dystrophy. Last evaluated: 2025-12-07. Review status: criteria provided, single submitter. Criteria: Invitae Variant Classification Sherloc (09022015). Collection method: clinical testing. Allele origin: germline.

Mayo Clinic Laboratories, Mayo Clinic
Classification: Likely benign. Last evaluated: 2025-02-03. Review status: criteria provided, single submitter. Criteria: ACMG Guidelines, 2015. Collection method: clinical testing. Allele origin: germline. Observed: 1 variant allele.
Comment: BS2, BP4, BP7

Ambry Genetics
Classification: Likely benign for Cardiovascular phenotype. Last evaluated: 2025-01-07. Review status: criteria provided, single submitter. Criteria: Ambry Variant Classification Scheme 2023. Collection method: clinical testing. Allele origin: germline.

Natera, Inc.
Classification: Likely benign for Becker muscular dystrophy; Cardiomyopathy; Duchenne muscular dystrophy; Dystrophin deficiency. Last evaluated: 2020-05-13. Review status: no assertion criteria provided. Collection method: clinical testing. Allele origin: germline. Not counted in ClinVar's aggregate classification.

NM_004006.3(DMD):c.4323G>T (p.Leu1441=)

Gene: DMD (dystrophin; minus strand). Cytogenetic location: Xp21.1.
Variant type: single nucleotide variant.
Coding change: c.4323G>T on transcript NM_004006.3 (MANE Select); coding-DNA position 4323, G replaced by T.
Protein change: p.Leu1441=; no amino-acid change (leucine 1441 retained).
Molecular consequence: synonymous variant.
Genome position (GRCh38, 1-based): chrX:32,390,092, C>A on the plus strand (G>T on the coding strand, the complement: DMD is on the minus strand). VCF-style: chrX-32390092-C-A. GRCh37 (hg19) VCF-style: chrX-32408209-C-A.
Other names: p.Leu1441=; c.4299G>T, p.Leu1433= (NM_000109.4); c.4311G>T, p.Leu1437= (NM_004009.3); c.3954G>T, p.Leu1318= (NM_004010.3); c.300G>T, p.Leu100= (NM_004011.4); c.291G>T, p.Leu97= (NM_004012.4).
Identifiers: ClinVar variation 794188 (VCV000794188.14), dbSNP rs777712150, ClinGen allele CA10378988.